The following is an entry in ClinVar:

NM_000516.7(GNAS):c.549C>T (p.Asp183=)

Gene: GNAS (GNAS complex locus; plus strand). Cytogenetic location: 20q13.32.
Variant type: single nucleotide variant.
Coding change: c.549C>T on transcript NM_000516.7 (MANE Select); coding-DNA position 549, C replaced by T.
Protein change: p.Asp183=; no amino-acid change (aspartic acid 183 retained).
Molecular consequence: synonymous variant. On other transcripts: 3 prime UTR variant (2).
Genome position (GRCh38, 1-based): chr20:58,909,180, C>T. VCF-style: chr20-58909180-C-T. GRCh37 (hg19) VCF-style: chr20-57484235-C-T.
Other names: c.552C>T, p.Asp184= (NM_001077488.5); c.504C>T, p.Asp168= (NM_001077489.4); c.*410C>T (NM_001077490.3); c.372C>T, p.Asp124= (NM_001309840.2, NM_001309861.2); c.*455C>T (NM_016592.5); c.2478C>T, p.Asp826= (NM_080425.4); c.507C>T, p.Asp169= (NM_080426.4); c.549C>T (NM_000516.5).
Identifiers: ClinVar variation 1529503 (VCV001529503.10), dbSNP rs765200985, ClinGen allele CA9927146.
Genomic context (GRCh38, chr20:58,909,180, plus strand): 5'-TGAGCGCTGTGAACACCCCACGTGTCTTTCTTTTTCTCCCAGCTTCCTGGACAAGATCGA[C>T]GTGATCAAGCAGGCTGACTATGTGCCGAGCGATCAGGTGTGCAAAACCCCTCCCCACCAG-3'
Protein context (NP_000507.1, residues 173-193): DCAQYFLDKI[Asp183=]VIKQADYVPS

ClinVar aggregate classification (germline): Likely benign. Review status: criteria provided, multiple submitters, no conflicts (2 of 4 stars). 3 submissions from 3 submitters: Likely benign (2). 1 of the submissions does not count toward it. Last evaluated 2026-01-05.

Conditions:
GNAS-related disorder. Identifiers: MedGen CN380105.

Allele frequency attached by ClinVar (database versions not stated): ExAC 0.00001; gnomAD exomes 0.00001; gnomAD 0.00003 and 0.00004; TOPMed 0.00004.
gnomAD v4.1: 12 of 1,613,922 alleles (0.00074%); highest among the groups gnomAD compares: African/African-American, 0.011%; no homozygotes.

Submissions (3):

Labcorp Genetics (formerly Invitae), Labcorp
Classification: Likely benign. Last evaluated: 2026-01-05. Review status: criteria provided, single submitter. Criteria: Invitae Variant Classification Sherloc (09022015). Collection method: clinical testing. Allele origin: germline.

Women's Health and Genetics/Laboratory Corporation of America, LabCorp
Classification: Likely benign. Last evaluated: 2025-07-21. Review status: criteria provided, single submitter. Criteria: LabCorp Variant Classification Summary - May 2015. Collection method: clinical testing. Allele origin: germline.

PreventionGenetics, part of Exact Sciences
Classification: Likely benign for GNAS-related condition. Last evaluated: 2021-04-26. Review status: no assertion criteria provided. Collection method: clinical testing. Allele origin: germline. Not counted in ClinVar's aggregate classification.
Comment: This variant is classified as likely benign based on ACMG/AMP sequence variant interpretation guidelines (Richards et al. 2015 PMID: 25741868, with internal and published modifications).